The following is an entry in ClinVar:

NM_015338.6(ASXL1):c.1485C>A (p.Asp495Glu)

Gene: ASXL1 (ASXL transcriptional regulator 1; plus strand). Cytogenetic location: 20q11.21.
Variant type: single nucleotide variant.
Coding change: c.1485C>A on transcript NM_015338.6 (MANE Select); coding-DNA position 1485, C replaced by A.
Protein change: p.Asp495Glu; replaces aspartic acid 495 with glutamic acid.
Molecular consequence: missense variant.
Genome position (GRCh38, 1-based): chr20:32,433,683, C>A. VCF-style: chr20-32433683-C-A. GRCh37 (hg19) VCF-style: chr20-31021486-C-A.
Other names: c.1302C>A, p.Asp434Glu (NM_001363734.1); short protein forms D434E, D495E.
Identifiers: ClinVar variation 3792168 (VCV003792168.1).

ClinVar aggregate classification (germline): Uncertain significance (1 of 4 stars; one submission).

Conditions:
Inborn genetic diseases. Identifiers: MedGen C0950123, MeSH D030342.

Submission:

Ambry Genetics
Classification: Uncertain significance for Inborn genetic diseases. Last evaluated: 2025-01-10. Review status: criteria provided, single submitter. Criteria: Ambry Variant Classification Scheme 2023. Collection method: clinical testing. Allele origin: germline.
Comment: The p.D495E variant (also known as c.1485C>A), located in coding exon 12 of the ASXL1 gene, results from a C to A substitution at nucleotide position 1485. The aspartic acid at codon 495 is replaced by glutamic acid, an amino acid with highly similar properties. This amino acid position is conserved. In addition, this alteration is predicted to be tolerated by in silico analysis. Based on the available evidence, the clinical significance of this variant remains unclear.